The following is an entry in ClinVar:

ClinVar aggregate classification (germline): Pathogenic/Likely pathogenic. Review status: criteria provided, multiple submitters, no conflicts (2 of 4 stars). 2 submissions from 2 submitters: Pathogenic (1); Likely pathogenic (1). Last evaluated 2025-07-17.

Conditions:
SPTBN1-related neurodevelopmental disease. Also called: SPTBN1-related neurodevelopmental disorder.

Submissions (2):

GeneDx
Classification: Pathogenic. Last evaluated: 2025-07-17. Review status: criteria provided, single submitter. Criteria: GeneDx Variant Classification Process June 2021. Collection method: clinical testing. Allele origin: germline. Affected: yes.
Comment: In silico analysis supports that this missense variant has a deleterious effect on protein structure/function; Not observed at significant frequency in large population cohorts (gnomAD); This variant is associated with the following publications: (PMID: 34211179)

Clinical Genomics Laboratory, Stanford Medicine
Classification: Likely pathogenic for SPTBN1-related neurodevelopmental disorder. Last evaluated: 2021-09-14. Review status: criteria provided, single submitter. Criteria: ACMG Guidelines, 2015. Collection method: clinical testing. Allele origin: de novo. Inheritance: Autosomal dominant inheritance. Affected: yes. Observed: 1 variant allele, 1 heterozygote.
Comment: The p.Ala1086Thr variant in the SPTBN1 gene has been previously reported de novo in 1 individual with developmental delay and febrile seizures (Cousin et al., 2021). This variant was absent from large population databases, including the Genome Aggregation Database. The SPTBN1 gene has fewer missense variants in the general population than expected. A low rate of missense variation may suggest that this gene is intolerant to missense variation. Computational tools predict that this variant is deleterious; however, the accuracy of in silico algorithms is limited. These data were assessed using the ACMG/AMP variant interpretation guidelines. In summary, there is sufficient evidence to classify the p.Ala1086Thr variant as likely pathogenic for SPTBN1-related neurodevelopmental disorder in an autosomal dominant manner based on the information above. [ACMG evidence codes used: PS2_moderate; PM2; PP2; PP3]

Literature cited by the submitters: PubMed 34211179 (cited by Clinical Genomics Laboratory, Stanford Medicine).

NM_003128.3(SPTBN1):c.3256G>A (p.Ala1086Thr)

Gene: SPTBN1 (spectrin beta, non-erythrocytic 1; plus strand). Cytogenetic location: 2p16.2.
Variant type: single nucleotide variant.
Coding change: c.3256G>A on transcript NM_003128.3 (MANE Select); coding-DNA position 3256, G replaced by A.
Protein change: p.Ala1086Thr; replaces alanine 1086 with threonine.
Molecular consequence: missense variant.
Genome position (GRCh38, 1-based): chr2:54,631,303, G>A. VCF-style: chr2-54631303-G-A. GRCh37 (hg19) VCF-style: chr2-54858440-G-A.
Other names: c.3217G>A, p.Ala1073Thr (NM_178313.3); short protein forms A1073T, A1086T.
Identifiers: ClinVar variation 3893681 (VCV003893681.2).